The following is an entry in ClinVar:

NM_001164508.2(NEB):c.25099T>C (p.Tyr8367His)

Genes: RIF1 (replication timing regulatory factor 1; plus strand), NEB (nebulin; minus strand). Cytogenetic location: 2q23.3.
Variant type: single nucleotide variant.
Coding change: c.25099T>C on transcript NM_001164508.2 (MANE Select); coding-DNA position 25099, T replaced by C.
Protein change: p.Tyr8367His; replaces tyrosine 8367 with histidine.
Molecular consequence: missense variant.
Genome position (GRCh38, 1-based): chr2:151,491,734, A>G on the plus strand (T>C on the coding strand, the complement: NEB is on the minus strand). VCF-style: chr2-151491734-A-G. GRCh37 (hg19) VCF-style: chr2-152348248-A-G.
Other names: c.25099T>C, p.Tyr8367His (NM_001164507.2); c.25204T>C, p.Tyr8402His (NM_001271208.2); c.19531T>C, p.Tyr6511His (NM_004543.5); short protein forms Y8367H, Y6511H, Y8402H.
Identifiers: ClinVar variation 2906533 (VCV002906533.3), dbSNP rs2551696716, ClinGen allele CA348771740.

ClinVar aggregate classification (germline): Uncertain significance (1 of 4 stars; one submission).

Conditions:
Nemaline myopathy 2 (NEM2). Also called: Nemaline myopathy 2, autosomal recessive. Identifiers: MedGen C1850569, MONDO:0009725, OMIM 256030.

Submission:

Labcorp Genetics (formerly Invitae), Labcorp
Classification: Uncertain significance for Nemaline myopathy 2. Last evaluated: 2023-08-16. Review status: criteria provided, single submitter. Criteria: Invitae Variant Classification Sherloc (09022015). Collection method: clinical testing. Allele origin: germline.
Comment: This sequence change replaces tyrosine, which is neutral and polar, with histidine, which is basic and polar, at codon 8402 of the NEB protein (p.Tyr8402His). This variant is not present in population databases (gnomAD no frequency). This variant has not been reported in the literature in individuals affected with NEB-related conditions. Experimental studies and prediction algorithms are not available or were not evaluated, and the functional significance of this variant is currently unknown. In summary, the available evidence is currently insufficient to determine the role of this variant in disease. Therefore, it has been classified as a Variant of Uncertain Significance.